The following is an entry in ClinVar:

NM_000187.4(HGD):c.1040G>C (p.Arg347Pro)

Gene: HGD (homogentisate 1,2-dioxygenase; minus strand). Cytogenetic location: 3q13.33.
Variant type: single nucleotide variant.
Coding change: c.1040G>C on transcript NM_000187.4 (MANE Select); coding-DNA position 1040, G replaced by C.
Protein change: p.Arg347Pro; replaces arginine 347 with proline.
Molecular consequence: missense variant.
Genome position (GRCh38, 1-based): chr3:120,633,295, C>G on the plus strand (G>C on the coding strand, the complement: HGD is on the minus strand). VCF-style: chr3-120633295-C-G. GRCh37 (hg19) VCF-style: chr3-120352142-C-G.
Other names: c.1040G>C (NM_000187.3); short protein forms R347P.
Identifiers: ClinVar variation 2503900 (VCV002503900.2), dbSNP rs1414633272, ClinGen allele CA354072964.

ClinVar aggregate classification (germline): Uncertain significance. Review status: criteria provided, multiple submitters, no conflicts (2 of 4 stars). 3 submissions from 3 submitters: Uncertain significance (2). 1 of the submissions does not count toward it. Last evaluated 2024-03-08.

Conditions:
Alkaptonuria (AKU). Also called: Alcaptonuria; HOMOGENTISIC ACID OXIDASE DEFICIENCY; Alkaptonuric ochronosis; Homogentisic acidura. Identifiers: Orphanet 56, MedGen C0002066, MONDO:0008753, OMIM 203500.

gnomAD v4.1: 1 of 1,614,130 alleles (0.000062%); highest among the groups gnomAD compares: South Asian, 0.0011%; no homozygotes.

Submissions (3):

Fulgent Genetics
Classification: Uncertain significance for Alkaptonuria. Last evaluated: 2024-03-08. Review status: criteria provided, single submitter. Criteria: ACMG Guidelines, 2015. Collection method: clinical testing. Allele origin: germline.

Women's Health and Genetics/Laboratory Corporation of America, LabCorp
Classification: Uncertain significance. Last evaluated: 2023-04-26. Review status: criteria provided, single submitter. Criteria: LabCorp Variant Classification Summary - May 2015. Collection method: clinical testing. Allele origin: germline.
Comment: Variant summary: HGD c.1040G>C (p.Arg347Pro) results in a non-conservative amino acid change located in the Homogentisate 1,2-dioxygenase, C-terminal domain (IPR046451) of the encoded protein sequence. Three of five in-silico tools predict a benign effect of the variant on protein function. The variant was absent in 251296 control chromosomes. The available data on variant occurrences in the general population are insufficient to allow any conclusion about variant significance. c.1040G>C has been reported in the literature in individuals affected with Alkaptonuria (Ascher_2019). This report does not provide unequivocal conclusions about association of the variant with Alkaptonuria. To our knowledge, no experimental evidence demonstrating an impact on protein function has been reported. The following publications have been ascertained in the context of this evaluation (PMID: 30737480). No clinical diagnostic laboratories have submitted clinical-significance assessments for this variant to ClinVar after 2014. Based on the evidence outlined above, the variant was classified as uncertain significance.

Department Of Human Genetics, Institute Of Clinical And Translational Research, Biomedical Research Center, Slovak Academy Of Sciences
Classification: Pathogenic for Alkaptonuria. Review status: no assertion criteria provided. Collection method: research. Allele origin: germline. Inheritance: Autosomal recessive inheritance. Affected: yes. Observed: 1 variant allele. Not counted in ClinVar's aggregate classification.
Comment: The variant was originally described in AKU patient in PMID:30737480. It has been submitted to the HGD gene mutation database (DB-ID: AKU_00199).

Literature cited by the submitters: PubMed 30737480 (cited by Women's Health and Genetics/Laboratory Corporation of America, LabCorp and Department Of Human Genetics, Institute Of Clinical And Translational Research, Biomedical Research Center, Slovak Academy Of Sciences).